The following is an entry in ClinVar:

ClinVar aggregate classification (germline): Uncertain significance (1 of 4 stars; one submission).

Conditions:
Eichsfeld type congenital muscular dystrophy (CMYO3). Also called: MYOPATHY, SEPN1-RELATED; Rigid spine muscular dystrophy 1; SELENON-related myopathy; Congenital myopathy 3 with rigid spine. Identifiers: MedGen C0410180, MONDO:0100100, OMIM 602771.

Submission:

Labcorp Genetics (formerly Invitae), Labcorp
Classification: Uncertain significance for Eichsfeld type congenital muscular dystrophy. Last evaluated: 2019-08-21. Review status: criteria provided, single submitter. Criteria: Invitae Variant Classification Sherloc (09022015). Collection method: clinical testing. Allele origin: germline.
Comment: Algorithms developed to predict the effect of missense changes on protein structure and function are either unavailable or do not agree on the potential impact of this missense change (SIFT: "Deleterious"; PolyPhen-2: "Benign"; Align-GVGD: "Class C0"). This sequence change replaces arginine with glycine at codon 582 of the SELENON protein (p.Arg582Gly). The arginine residue is moderately conserved and there is a moderate physicochemical difference between arginine and glycine. This variant is not present in population databases (ExAC no frequency). This variant has not been reported in the literature in individuals with SELENON-related conditions. In summary, the available evidence is currently insufficient to determine the role of this variant in disease. Therefore, it has been classified as a Variant of Uncertain Significance.

NM_206926.2(SELENON):c.1642C>G (p.Arg548Gly)

Gene: SELENON (selenoprotein N; plus strand). Cytogenetic location: 1p36.11.
Variant type: single nucleotide variant.
Coding change: c.1642C>G on transcript NM_206926.2 (MANE Select); coding-DNA position 1642, C replaced by G.
Protein change: p.Arg548Gly; replaces arginine 548 with glycine.
Molecular consequence: missense variant.
Genome position (GRCh38, 1-based): chr1:25,815,689, C>G. VCF-style: chr1-25815689-C-G. GRCh37 (hg19) VCF-style: chr1-26142180-C-G.
Other names: c.1744C>G, p.Arg582Gly (NM_020451.3); short protein forms R548G, R582G.
Identifiers: ClinVar variation 934142 (VCV000934142.8), dbSNP rs373530866, ClinGen allele CA339121638.